The following is an entry in ClinVar:

ClinVar aggregate classification (germline): Uncertain significance. Review status: criteria provided, multiple submitters, no conflicts (2 of 4 stars). 2 submissions from 2 submitters: Uncertain significance (2). Last evaluated 2022-09-30.

Conditions:
Inborn genetic diseases. Identifiers: MedGen C0950123, MeSH D030342.

Allele frequency attached by ClinVar (database versions not stated): gnomAD exomes below 0.00001 and 0.00001; gnomAD 0.00004; TOPMed 0.00004.
gnomAD v4.1: 9 of 1,614,036 alleles (0.00056%); highest among the groups gnomAD compares: Admixed American, 0.013%; no homozygotes.

Submissions (2):

Ambry Genetics
Classification: Uncertain significance for Inborn genetic diseases. Last evaluated: 2022-09-30. Review status: criteria provided, single submitter. Criteria: Ambry Variant Classification Scheme 2023. Collection method: clinical testing. Allele origin: germline.

Labcorp Genetics (formerly Invitae), Labcorp
Classification: Uncertain significance. Last evaluated: 2021-10-27. Review status: criteria provided, single submitter. Criteria: Invitae Variant Classification Sherloc (09022015). Collection method: clinical testing. Allele origin: germline.
Comment: This sequence change replaces glutamine, a(n) neutral and polar amino acid, with arginine, a(n) basic and polar amino acid, at codon 1283 of the LAMC3 protein (p.Gln1283Arg). This variant is present in population databases (no rsID available, gnomAD 0.006%). This variant has not been reported in the literature in individuals affected with LAMC3-related conditions. Algorithms developed to predict the effect of missense changes on protein structure and function are either unavailable or do not agree on the potential impact of this missense change (SIFT: "Deleterious"; PolyPhen-2: "Benign"; Align-GVGD: "Class C0"). In summary, the available evidence is currently insufficient to determine the role of this variant in disease. Therefore, it has been classified as a Variant of Uncertain Significance.

NM_006059.4(LAMC3):c.3848A>G (p.Gln1283Arg)

Gene: LAMC3 (laminin subunit gamma 3; plus strand). Cytogenetic location: 9q34.12.
Variant type: single nucleotide variant.
Coding change: c.3848A>G on transcript NM_006059.4 (MANE Select); coding-DNA position 3848, A replaced by G.
Protein change: p.Gln1283Arg; replaces glutamine 1283 with arginine.
Molecular consequence: missense variant.
Genome position (GRCh38, 1-based): chr9:131,079,219, A>G. VCF-style: chr9-131079219-A-G. GRCh37 (hg19) VCF-style: chr9-133954606-A-G.
Other names: c.3848A>G (NM_006059.3); short protein forms Q1283R.
Identifiers: ClinVar variation 1468749 (VCV001468749.4), dbSNP rs1317788138, ClinGen allele CA375262791.